The following is an entry in ClinVar:

ClinVar aggregate classification (germline): Pathogenic (1 of 4 stars; one submission).

Submission:

Labcorp Genetics (formerly Invitae), Labcorp
Classification: Pathogenic. Last evaluated: 2024-04-11. Review status: criteria provided, single submitter. Criteria: Invitae Variant Classification Sherloc (09022015). Collection method: clinical testing. Allele origin: germline.
Comment: This sequence change creates a premature translational stop signal (p.Asn215Thrfs*32) in the ZNF341 gene. It is expected to result in an absent or disrupted protein product. Loss-of-function variants in ZNF341 are known to be pathogenic (PMID: 29907690, 29907691). This variant is present in population databases (no rsID available, gnomAD 0.0009%). This variant has not been reported in the literature in individuals affected with ZNF341-related conditions. For these reasons, this variant has been classified as Pathogenic.

Literature cited by the submitters: PubMed 29907690; PubMed 29907691.

NM_001282933.2(ZNF341):c.642del (p.Asn215fs)

Gene: ZNF341 (zinc finger protein 341; plus strand). Cytogenetic location: 20q11.22.
Variant type: Deletion.
Coding change: c.642del on transcript NM_001282933.2 (MANE Select); coding-DNA position 642, one base deleted (G; older notation c.642delG).
Protein change: p.Asn215fs; shifts the reading frame from asparagine 215.
Molecular consequence: frameshift variant. On other transcripts: non-coding transcript variant (1).
Genome position (GRCh38, 1-based): chr20:33,753,324, G deleted; the last of 3 consecutive G bases (chr20:33,753,322-33,753,324); deleting any one gives the same sequence. VCF-style (leftmost placement, unchanged base first): chr20-33753321-TG-T. GRCh37 (hg19) VCF-style: chr20-32341127-TG-T.
Other names: c.372del, p.Asn125fs (NM_001282935.2); c.642del, p.Asn215fs (NM_032819.5); short protein forms N125fs, N215fs.
Identifiers: ClinVar variation 3678447 (VCV003678447.2).